The following is an entry in ClinVar:

NM_005591.4(MRE11):c.1505G>A (p.Arg502His)

Gene: MRE11 (MRE11 double strand break repair nuclease; minus strand). Cytogenetic location: 11q21.
Variant type: single nucleotide variant.
Coding change: c.1505G>A on transcript NM_005591.4 (MANE Select); coding-DNA position 1505, G replaced by A.
Protein change: p.Arg502His; replaces arginine 502 with histidine.
Molecular consequence: missense variant.
Genome position (GRCh38, 1-based): chr11:94,456,334, C>T on the plus strand (G>A on the coding strand, the complement: MRE11 is on the minus strand). VCF-style: chr11-94456334-C-T. GRCh37 (hg19) VCF-style: chr11-94189500-C-T.
Other names: c.1505G>A, p.Arg502His (NM_001330347.2, NM_005590.4); short protein forms R502H.
Identifiers: ClinVar variation 232638 (VCV000232638.15), dbSNP rs767097795, ClinGen allele CA6235054.

ClinVar aggregate classification (germline): Uncertain significance. Review status: criteria provided, multiple submitters, no conflicts (2 of 4 stars). 3 submissions from 3 submitters: Uncertain significance (3). Last evaluated 2024-09-09.

Conditions:
Hereditary cancer-predisposing syndrome. Also called: Neoplastic Syndromes, Hereditary; Tumor predisposition; Hereditary Cancer Syndrome; Hereditary neoplastic syndrome. Identifiers: Orphanet 140162, MedGen C0027672, MeSH D009386, MONDO:0015356.
Ataxia-telangiectasia-like disorder (ATLD). Identifiers: MedGen C1858391, MONDO:0011457.

Allele frequency attached by ClinVar (database versions not stated): gnomAD exomes 0.00001 and 0.00002; ExAC 0.00004.
gnomAD v4.1: 10 of 1,611,898 alleles (0.00062%); highest among the groups gnomAD compares: South Asian, 0.0077%; 1 homozygote.

Submissions (3):

Labcorp Genetics (formerly Invitae), Labcorp
Classification: Uncertain significance for Ataxia-telangiectasia-like disorder. Last evaluated: 2024-09-09. Review status: criteria provided, single submitter. Criteria: Invitae Variant Classification Sherloc (09022015). Collection method: clinical testing. Allele origin: germline.
Comment: This sequence change replaces arginine, which is basic and polar, with histidine, which is basic and polar, at codon 502 of the MRE11 protein (p.Arg502His). This variant is present in population databases (rs767097795, gnomAD 0.01%). This variant has not been reported in the literature in individuals affected with MRE11-related conditions. ClinVar contains an entry for this variant (Variation ID: 232638). An algorithm developed to predict the effect of missense changes on protein structure and function (PolyPhen-2) suggests that this variant is likely to be tolerated. In summary, the available evidence is currently insufficient to determine the role of this variant in disease. Therefore, it has been classified as a Variant of Uncertain Significance.

GeneDx
Classification: Uncertain significance. Last evaluated: 2024-03-09. Review status: criteria provided, single submitter. Criteria: GeneDx Variant Classification Process June 2021. Collection method: clinical testing. Allele origin: germline. Affected: yes.
Comment: Not observed at significant frequency in large population cohorts (gnomAD); In silico analysis supports that this missense variant does not alter protein structure/function; Has not been previously published as pathogenic or benign to our knowledge

Ambry Genetics
Classification: Uncertain significance for Hereditary cancer-predisposing syndrome. Last evaluated: 2022-02-03. Review status: criteria provided, single submitter. Criteria: Ambry Variant Classification Scheme 2023. Collection method: clinical testing. Allele origin: germline.
Comment: The p.R502H variant (also known as c.1505G>A), located in coding exon 13 of the MRE11A gene, results from a G to A substitution at nucleotide position 1505. The arginine at codon 502 is replaced by histidine, an amino acid with highly similar properties. This amino acid position is well conserved in available vertebrate species. In addition, the in silico prediction for this alteration is inconclusive. Since supporting evidence is limited at this time, the clinical significance of this alteration remains unclear.